The following is an entry in ClinVar:

NM_000179.3(MSH6):c.97C>T (p.Arg33Cys)

Gene: MSH6 (mutS homolog 6; plus strand). Cytogenetic location: 2p16.3.
Variant type: single nucleotide variant.
Coding change: c.97C>T on transcript NM_000179.3 (MANE Select); coding-DNA position 97, C replaced by T.
Protein change: p.Arg33Cys; replaces arginine 33 with cysteine.
Molecular consequence: missense variant. On other transcripts: 5 prime UTR variant (1).
Genome position (GRCh38, 1-based): chr2:47,783,330, C>T. VCF-style: chr2-47783330-C-T. GRCh37 (hg19) VCF-style: chr2-48010469-C-T.
Other names: p.R33C:CGT>TGT; c.97C>T, p.Arg33Cys (NM_001281492.2); c.-640C>T (NM_001281493.2); short protein forms R33C.
Identifiers: ClinVar variation 182654 (VCV000182654.21), dbSNP rs730881811, ClinGen allele CA016738.
Genomic context (GRCh38, chr2:47,783,330, plus strand): 5'-AAGTCTCCGGCGCTGAGTGATGCCAACAAGGCCTCGGCCAGGGCCTCACGCGAAGGCGGC[C>T]GTGCCGCCGCTGCCCCCGGGGCCTCTCCTTCCCCAGGCGGGGATGCGGCCTGGAGCGAGG-3'
Protein context (NP_000170.1, residues 23-43): ASARASREGG[Arg33Cys]AAAAPGASPS

ClinVar aggregate classification (germline): Conflicting classifications of pathogenicity. Review status: criteria provided, conflicting classifications (1 of 4 stars). 5 submissions from 5 submitters: Uncertain significance (4); Likely benign (1). Last evaluated 2025-03-04.

Conditions:
Lynch syndrome. Identifiers: Orphanet 144, MedGen C4552100, MONDO:0005835. Disease mechanism: loss of function.
Mismatch repair cancer syndrome 3. Identifiers: MedGen C5436807, MONDO:0030841, OMIM 619097.
Hereditary nonpolyposis colorectal neoplasms. Identifiers: MedGen C0009405, MeSH D003123.
Hereditary cancer-predisposing syndrome. Also called: Neoplastic Syndromes, Hereditary; Hereditary Cancer Syndrome; Tumor predisposition; Hereditary neoplastic syndrome. Identifiers: Orphanet 140162, MedGen C0027672, MeSH D009386, MONDO:0015356.

Allele frequency attached by ClinVar (database versions not stated): gnomAD exomes below 0.00001; TOPMed 0.00002.

Submissions (5):

Center for Genomic Medicine, Rigshospitalet, Copenhagen University Hospital
Classification: Uncertain significance. Last evaluated: 2025-03-04. Review status: criteria provided, single submitter. Criteria: ACMG Guidelines, 2015. Collection method: clinical testing. Allele origin: germline.

Ambry Genetics
Classification: Uncertain significance for Hereditary cancer-predisposing syndrome. Last evaluated: 2024-10-14. Review status: criteria provided, single submitter. Criteria: Ambry Variant Classification Scheme 2023. Collection method: clinical testing. Allele origin: germline.
Comment: The p.R33C variant (also known as c.97C>T), located in coding exon 1 of the MSH6 gene, results from a C to T substitution at nucleotide position 97. The arginine at codon 33 is replaced by cysteine, an amino acid with highly dissimilar properties. This amino acid position is not conserved on limited sequence alignment. In addition, this alteration is predicted to be tolerated by in silico analysis. Since supporting evidence is limited at this time, the clinical significance of this alteration remains unclear.

Labcorp Genetics (formerly Invitae), Labcorp
Classification: Likely benign for Hereditary nonpolyposis colorectal neoplasms. Last evaluated: 2024-06-04. Review status: criteria provided, single submitter. Criteria: Invitae Variant Classification Sherloc (09022015). Collection method: clinical testing. Allele origin: germline.

All of Us Research Program, National Institutes of Health
Classification: Uncertain significance for Lynch syndrome. Last evaluated: 2023-11-20. Review status: criteria provided, single submitter. Criteria: ACMG Guidelines, 2015. Collection method: clinical testing. Allele origin: germline. Inheritance: Autosomal dominant inheritance. Observed: 1 variant allele, 1 heterozygote.
Comment: This missense variant replaces arginine with cysteine at codon 33 of the MSH6 protein. Computational prediction suggests that this variant may not impact protein structure and function (internally defined REVEL score threshold <= 0.5, PMID: 27666373). To our knowledge, functional studies have not been reported for this variant. This variant has not been reported in individuals affected with MSH6-related disorders in the literature. This variant has been identified in 1/234146 chromosomes in the general population by the Genome Aggregation Database (gnomAD). The available evidence is insufficient to determine the role of this variant in disease conclusively. Therefore, this variant is classified as a Variant of Uncertain Significance.

This study involves interpretation of variants in research participants for the purpose of population health screening. Participant phenotype was not available at the time of variant classification. Additional details can be found in publication PMID: 35346344, PMCID: PMC8962531

GeneDx
Classification: Uncertain significance. Last evaluated: 2017-12-01. Review status: criteria provided, single submitter. Criteria: GeneDx Variant Classification (06012015). Collection method: clinical testing. Allele origin: germline. Affected: yes.
Comment: This variant is denoted MSH6 c.97C>T at the cDNA level, p.Arg33Cys (R33C) at the protein level, and results in the change of an Arginine to a Cysteine (CGT>TGT). This variant has not, to our knowledge, been published in the literature as a germline variant; however, it has been reported as a somatic variant in a liver tumor (Walter 2017). MSH6 Arg33Cys was not observed at a significant frequency in large population cohorts (Lek 2016). Since Arginine and Cysteine differ in polarity, charge, size or other properties, this is considered a non-conservative amino acid substitution. MSH6 Arg33Cys is not located in a known functional domain. In-silico analyses, including protein predictors and evolutionary conservation, support that this variant does not alter protein structure/function. Based on currently available evidence, it is unclear whether MSH6 Arg33Cys is a pathogenic or benign variant. We consider it to be a variant of uncertain significance.